The following is an entry in ClinVar:

ClinVar aggregate classification (germline): Uncertain significance (1 of 4 stars; one submission).

Conditions:
Inborn genetic diseases. Identifiers: MedGen C0950123, MeSH D030342.

Submission:

Ambry Genetics
Classification: Uncertain significance for Inborn genetic diseases. Last evaluated: 2025-07-14. Review status: criteria provided, single submitter. Criteria: Ambry Variant Classification Scheme 2023. Collection method: clinical testing. Allele origin: germline.
Comment: The p.S1383G variant (also known as c.4147A>G), located in coding exon 29 of the ANKRD26 gene, results from an A to G substitution at nucleotide position 4147. The serine at codon 1383 is replaced by glycine, an amino acid with similar properties. This amino acid position is conserved. In addition, this alteration is predicted to be tolerated by in silico analysis. Based on the available evidence, the clinical significance of this variant remains unclear.

NM_014915.3(ANKRD26):c.4147A>G (p.Ser1383Gly)

Gene: ANKRD26 (ankyrin repeat domain containing 26; minus strand). Cytogenetic location: 10p12.1.
Variant type: single nucleotide variant.
Coding change: c.4147A>G on transcript NM_014915.3 (MANE Select); coding-DNA position 4147, A replaced by G.
Protein change: p.Ser1383Gly; replaces serine 1383 with glycine.
Molecular consequence: missense variant.
Genome position (GRCh38, 1-based): chr10:27,022,626, T>C on the plus strand (A>G on the coding strand, the complement: ANKRD26 is on the minus strand). VCF-style: chr10-27022626-T-C. GRCh37 (hg19) VCF-style: chr10-27311555-T-C.
Other names: c.4144A>G, p.Ser1382Gly (NM_001256053.2); short protein forms S1382G, S1383G.
Identifiers: ClinVar variation 4103503 (VCV004103503.1).